The following is an entry in ClinVar:

ClinVar aggregate classification (germline): Uncertain significance (1 of 4 stars; one submission).

Conditions:
Autosomal dominant limb-girdle muscular dystrophy type 1G (LGMDD3). Also called: Limb-girdle muscular dystrophy, type 1G; MUSCULAR DYSTROPHY, LIMB-GIRDLE, AUTOSOMAL DOMINANT 3. Identifiers: Orphanet 55596, MedGen C1836765, MONDO:0012193, OMIM 609115.

Submission:

Labcorp Genetics (formerly Invitae), Labcorp
Classification: Uncertain significance for Autosomal dominant limb-girdle muscular dystrophy type 1G. Last evaluated: 2017-12-28. Review status: criteria provided, single submitter. Criteria: Invitae Variant Classification Sherloc (09022015). Collection method: clinical testing. Allele origin: germline.
Comment: This sequence change replaces valine with isoleucine at codon 184 of the HNRNPDL protein (p.Val184Ile). The valine residue is highly conserved and there is a small physicochemical difference between valine and isoleucine. This variant is not present in population databases (ExAC no frequency). This variant has not been reported in the literature in individuals with HNRNPDL-related disease. Algorithms developed to predict the effect of missense changes on protein structure and function do not agree on the potential impact of this missense change (SIFT: "Deleterious"; PolyPhen-2: "Benign"; Align-GVGD: "Class C25"). In summary, the available evidence is currently insufficient to determine the role of this variant in disease. Therefore, it has been classified as a Variant of Uncertain Significance.

NM_031372.4(HNRNPDL):c.550G>A (p.Val184Ile)

Gene: HNRNPDL (heterogeneous nuclear ribonucleoprotein D like; minus strand). Cytogenetic location: 4q21.22.
Variant type: single nucleotide variant.
Coding change: c.550G>A on transcript NM_031372.4 (MANE Select); coding-DNA position 550, G replaced by A.
Protein change: p.Val184Ile; replaces valine 184 with isoleucine.
Molecular consequence: missense variant. On other transcripts: non-coding transcript variant (1).
Genome position (GRCh38, 1-based): chr4:82,428,340, C>T on the plus strand (G>A on the coding strand, the complement: HNRNPDL is on the minus strand). VCF-style: chr4-82428340-C-T. GRCh37 (hg19) VCF-style: chr4-83349493-C-T.
Other names: c.550G>A, p.Val184Ile (NM_001207000.1); short protein forms V184I.
Identifiers: ClinVar variation 533024 (VCV000533024.1), dbSNP rs1553901009, ClinGen allele CA357171371.